The following is an entry in ClinVar:

NM_006231.4(POLE):c.1708C>G (p.Leu570Val)

Gene: POLE (DNA polymerase epsilon, catalytic subunit; minus strand). Cytogenetic location: 12q24.33.
Variant type: single nucleotide variant.
Coding change: c.1708C>G on transcript NM_006231.4 (MANE Select); coding-DNA position 1708, C replaced by G.
Protein change: p.Leu570Val; replaces leucine 570 with valine.
Molecular consequence: missense variant.
Genome position (GRCh38, 1-based): chr12:132,672,301, G>C on the plus strand (C>G on the coding strand, the complement: POLE is on the minus strand). VCF-style: chr12-132672301-G-C. GRCh37 (hg19) VCF-style: chr12-133248887-G-C.
Other names: short protein forms L570V.
Identifiers: ClinVar variation 3653460 (VCV003653460.2).

ClinVar aggregate classification (germline): Uncertain significance (1 of 4 stars; one submission).

Submission:

Labcorp Genetics (formerly Invitae), Labcorp
Classification: Uncertain significance. Last evaluated: 2024-07-08. Review status: criteria provided, single submitter. Criteria: Invitae Variant Classification Sherloc (09022015). Collection method: clinical testing. Allele origin: germline.
Comment: This sequence change replaces leucine, which is neutral and non-polar, with valine, which is neutral and non-polar, at codon 570 of the POLE protein (p.Leu570Val). This variant is not present in population databases (gnomAD no frequency). This variant has not been reported in the literature in individuals affected with POLE-related conditions. Advanced modeling of protein sequence and biophysical properties (such as structural, functional, and spatial information, amino acid conservation, physicochemical variation, residue mobility, and thermodynamic stability) performed at Invitae indicates that this missense variant is expected to disrupt POLE protein function with a positive predictive value of 80%. In summary, the available evidence is currently insufficient to determine the role of this variant in disease. Therefore, it has been classified as a Variant of Uncertain Significance.